The following is an entry in ClinVar:

NM_001128840.3(CACNA1D):c.1435G>A (p.Val479Ile)

Gene: CACNA1D (calcium voltage-gated channel subunit alpha1 D; plus strand). Cytogenetic location: 3p21.1.
Variant type: single nucleotide variant.
Coding change: c.1435G>A on transcript NM_001128840.3 (MANE Select); coding-DNA position 1435, G replaced by A.
Protein change: p.Val479Ile; replaces valine 479 with isoleucine.
Molecular consequence: missense variant.
Genome position (GRCh38, 1-based): chr3:53,718,345, G>A. VCF-style: chr3-53718345-G-A. GRCh37 (hg19) VCF-style: chr3-53752372-G-A.
Other names: c.1435G>A, p.Val479Ile (NM_000720.4, NM_001128839.3); short protein forms V479I.
Identifiers: ClinVar variation 1481530 (VCV001481530.7), dbSNP rs777250049, ClinGen allele CA2453947.

ClinVar aggregate classification (germline): Uncertain significance. Review status: criteria provided, multiple submitters, no conflicts (2 of 4 stars). 2 submissions from 2 submitters: Uncertain significance (2). Last evaluated 2024-02-14.

Allele frequency attached by ClinVar (database versions not stated): gnomAD exomes below 0.00001; ExAC 0.00001; gnomAD 0.00004; TOPMed 0.00007.
gnomAD v4.1: 17 of 1,614,092 alleles (0.0011%); highest among the groups gnomAD compares: African/African-American, 0.012%; no homozygotes.

Submissions (2):

Labcorp Genetics (formerly Invitae), Labcorp
Classification: Uncertain significance. Last evaluated: 2024-02-14. Review status: criteria provided, single submitter. Criteria: Invitae Variant Classification Sherloc (09022015). Collection method: clinical testing. Allele origin: germline.
Comment: This sequence change replaces valine, which is neutral and non-polar, with isoleucine, which is neutral and non-polar, at codon 479 of the CACNA1D protein (p.Val479Ile). This variant is present in population databases (rs777250049, gnomAD 0.004%). This variant has not been reported in the literature in individuals affected with CACNA1D-related conditions. ClinVar contains an entry for this variant (Variation ID: 1481530). Advanced modeling of protein sequence and biophysical properties (such as structural, functional, and spatial information, amino acid conservation, physicochemical variation, residue mobility, and thermodynamic stability) performed at Invitae indicates that this missense variant is not expected to disrupt CACNA1D protein function with a negative predictive value of 80%. In summary, the available evidence is currently insufficient to determine the role of this variant in disease. Therefore, it has been classified as a Variant of Uncertain Significance.

GeneDx
Classification: Uncertain significance. Last evaluated: 2022-07-18. Review status: criteria provided, single submitter. Criteria: GeneDx Variant Classification Process June 2021. Collection method: clinical testing. Allele origin: germline. Affected: yes.
Comment: Not observed at significant frequency in large population cohorts (gnomAD); In silico analysis supports that this missense variant does not alter protein structure/function; Has not been previously published as pathogenic or benign to our knowledge